The following is an entry in ClinVar:

NM_000257.4(MYH7):c.2110A>G (p.Ile704Val)

Gene: MYH7 (myosin heavy chain 7; minus strand). Cytogenetic location: 14q11.2.
Variant type: single nucleotide variant.
Coding change: c.2110A>G on transcript NM_000257.4 (MANE Select); coding-DNA position 2110, A replaced by G.
Protein change: p.Ile704Val; replaces isoleucine 704 with valine.
Molecular consequence: missense variant.
Genome position (GRCh38, 1-based): chr14:23,426,016, T>C on the plus strand (A>G on the coding strand, the complement: MYH7 is on the minus strand). VCF-style: chr14-23426016-T-C. GRCh37 (hg19) VCF-style: chr14-23895225-T-C.
Other names: p.I704V:ATC>GTC; c.2110A>G (LRG_384t1); short protein forms I704V.
Identifiers: ClinVar variation 181367 (VCV000181367.2), dbSNP rs730880893, ClinGen allele CA011705.
Genomic context (GRCh38, chr14:23,426,016, plus strand): 5'-ATACCCACCTCTGCCGGAAGTCCCCGTAGAGGATGCGGTTGGGGAAGCCTTTCCTGCAGA[T>C]GCGGATGCCCTCCAGCACACCATTGCAGCGCAGCTGGTGCATGACCAGGGGGTTGTCCAT-3'
Protein context (NP_000248.2, residues 694-714): RCNGVLEGIR[Ile704Val]CRKGFPNRIL

ClinVar aggregate classification (germline): Uncertain significance (1 of 4 stars; one submission).

Submission:

GeneDx
Classification: Uncertain significance. Last evaluated: 2017-10-06. Review status: criteria provided, single submitter. Criteria: GeneDx Variant Classification (06012015). Collection method: clinical testing. Allele origin: germline. Affected: yes.
Comment: The I704V variant of uncertain significance in the MYH7 gene has not been published as pathogenic, nor reported as benign to our knowledge. This variant has not been observed in large population cohorts (Lek et al., 2016), indicating it is not a common benign variant. The I704V variant is a conservative amino acid substitution, which is not likely to impact secondary protein structure as these residues share similar properties. However, this substitution occurs at a position that is conserved across species. Finally, in silico analysis is inconsistent in its predictions as to whether or not the variant is damaging to the protein structure/function. Therefore, based on the currently available information, it is unclear whether this variant is pathogenic or rare benign.